The following is an entry in ClinVar:

ClinVar aggregate classification (germline): Uncertain significance. Review status: criteria provided, multiple submitters, no conflicts (2 of 4 stars). 2 submissions from 2 submitters: Uncertain significance (2). Last evaluated 2021-11-11.

Allele frequency attached by ClinVar (database versions not stated): 1000 Genomes Project 30x 0.00047; 1000 Genomes Project 0.00060; gnomAD exomes 0.00095 and 0.00096; gnomAD 0.00103 and 0.00112; ESP Exome Variant Server 0.00104; TOPMed 0.00111; ExAC 0.00136.
gnomAD v4.1: 1,510 of 1,581,416 alleles (0.095%); highest among the groups gnomAD compares: Non-Finnish European, 0.11%; 1 homozygote.

Submissions (2):

Women's Health and Genetics/Laboratory Corporation of America, LabCorp
Classification: Uncertain significance. Last evaluated: 2021-11-11. Review status: criteria provided, single submitter. Criteria: LabCorp Variant Classification Summary - May 2015. Collection method: clinical testing. Allele origin: germline.
Comment: Variant summary: MYO19 c.1052T>A (p.Ile351Asn) results in a non-conservative amino acid change located in the Myosin head, motor domain (IPR001069) of the encoded protein sequence. Three of five in-silico tools predict a benign effect of the variant on protein function. The variant allele was found at a frequency of 0.00096 in 195888 control chromosomes. This frequency is not significantly higher than estimated for a pathogenic variant in MYO19 causing MYO19-Related Disorders, allowing no conclusion about variant significance. To our knowledge, no occurrence of c.1052T>A in individuals affected with MYO19-Related Disorders and no experimental evidence demonstrating its impact on protein function have been reported. No clinical diagnostic laboratories have submitted clinical-significance assessments for this variant to ClinVar after 2014. Based on the evidence outlined above, the variant was classified as uncertain significance.

Breakthrough Genomics
Classification: Uncertain significance. Review status: criteria provided, single submitter. Criteria: ACMG Guidelines, 2015. Collection method: not provided. Allele origin: germline. Inheritance: Unknown mechanism. Affected: yes.

NM_001163735.2(MYO19):c.1052T>A (p.Ile351Asn)

Gene: MYO19 (myosin XIX; minus strand). Cytogenetic location: 17q12.
Variant type: single nucleotide variant.
Coding change: c.1052T>A on transcript NM_001163735.2 (MANE Select); coding-DNA position 1052, T replaced by A.
Protein change: p.Ile351Asn; replaces isoleucine 351 with asparagine.
Molecular consequence: missense variant.
Genome position (GRCh38, 1-based): chr17:36,510,851, A>T on the plus strand (T>A on the coding strand, the complement: MYO19 is on the minus strand). VCF-style: chr17-36510851-A-T. GRCh37 (hg19) VCF-style: chr17-34866690-A-T.
Other names: c.1052T>A, p.Ile351Asn (NM_025109.6); short protein forms I351N.
Identifiers: ClinVar variation 1329005 (VCV001329005.2), dbSNP rs199978039, ClinGen allele CA289941619.